The following is an entry in ClinVar:

ClinVar aggregate classification (germline): Uncertain significance. Review status: criteria provided, multiple submitters, no conflicts (2 of 4 stars). 2 submissions from 2 submitters: Uncertain significance (2). Last evaluated 2025-01-20.

Allele frequency attached by ClinVar (database versions not stated): ExAC 0.00001; gnomAD exomes 0.00001; gnomAD 0.00003; TOPMed 0.00016.
gnomAD v4.1: 42 of 1,613,176 alleles (0.0026%); highest among the groups gnomAD compares: Middle Eastern, 0.016%; no homozygotes.

Submissions (2):

Ambry Genetics
Classification: Uncertain significance. Last evaluated: 2025-01-20. Review status: criteria provided, single submitter. Criteria: Ambry Variant Classification Scheme 2023. Collection method: clinical testing. Allele origin: germline.

CeGaT Center for Human Genetics Tuebingen
Classification: Uncertain significance. Last evaluated: 2023-08-01. Review status: criteria provided, single submitter. Criteria: CeGaT Center For Human Genetics Tuebingen Variant Classification Criteria Version 2. Collection method: clinical testing. Allele origin: germline. Affected: yes. Observed: 1 variant allele.
Comment: PIWIL2: PM2:Supporting, BP4

NM_018068.5(PIWIL2):c.1678G>A (p.Val560Ile)

Gene: PIWIL2 (piwi like RNA-mediated gene silencing 2; plus strand). Cytogenetic location: 8p21.3.
Variant type: single nucleotide variant.
Coding change: c.1678G>A on transcript NM_018068.5 (MANE Select); coding-DNA position 1678, G replaced by A.
Protein change: p.Val560Ile; replaces valine 560 with isoleucine.
Molecular consequence: missense variant.
Genome position (GRCh38, 1-based): chr8:22,308,065, G>A. VCF-style: chr8-22308065-G-A. GRCh37 (hg19) VCF-style: chr8-22165578-G-A.
Other names: c.1678G>A (NM_001135721.1); c.1678G>A, p.Val560Ile (NM_001135721.3, NM_001330480.2); short protein forms V560I.
Identifiers: ClinVar variation 2658465 (VCV002658465.25), dbSNP rs777028397, ClinGen allele CA4666771.
Genomic context (GRCh38, chr8:22,308,065, plus strand): 5'-GCAAAGAACGAGGCAGCCACCAATGAACTGATGCGTTGGGGGCTCCGTCTGCAAAAGGAT[G>A]TACATAAGGTAAACCAAAAAACGTGATGGTGTATGCACATGTACAGAGACACGTGTGCAA-3'
Protein context (NP_060538.2, residues 550-570): MRWGLRLQKD[Val560Ile]HKIEGRVLPM